The following is an entry in ClinVar:

ClinVar aggregate classification (germline): Uncertain significance (1 of 4 stars; one submission).

Allele frequency attached by ClinVar (database versions not stated): gnomAD exomes below 0.00001.
gnomAD v4.1: 2 of 1,614,058 alleles (0.00012%); highest among the groups gnomAD compares: East Asian, 0.0022%; no homozygotes.

Submission:

Labcorp Genetics (formerly Invitae), Labcorp
Classification: Uncertain significance. Last evaluated: 2023-09-23. Review status: criteria provided, single submitter. Criteria: Invitae Variant Classification Sherloc (09022015). Collection method: clinical testing. Allele origin: germline.
Comment: This variant is not present in population databases (gnomAD no frequency). This variant has not been reported in the literature in individuals affected with FAT2-related conditions. Algorithms developed to predict the effect of missense changes on protein structure and function output the following: SIFT: "Not Available"; PolyPhen-2: "Benign"; Align-GVGD: "Not Available". The valine amino acid residue is found in multiple mammalian species, which suggests that this missense change does not adversely affect protein function. In summary, the available evidence is currently insufficient to determine the role of this variant in disease. Therefore, it has been classified as a Variant of Uncertain Significance. This sequence change replaces isoleucine, which is neutral and non-polar, with valine, which is neutral and non-polar, at codon 4059 of the FAT2 protein (p.Ile4059Val).

NM_001447.3(FAT2):c.12175A>G (p.Ile4059Val)

Genes: FAT2 (FAT atypical cadherin 2; minus strand), SLC36A1 (solute carrier family 36 member 1; plus strand). Cytogenetic location: 5q33.1.
Variant type: single nucleotide variant.
Coding change: c.12175A>G on transcript NM_001447.3 (MANE Select); coding-DNA position 12175, A replaced by G.
Protein change: p.Ile4059Val; replaces isoleucine 4059 with valine.
Molecular consequence: missense variant.
Genome position (GRCh38, 1-based): chr5:151,507,496, T>C on the plus strand (A>G on the coding strand, the complement: FAT2 is on the minus strand). VCF-style: chr5-151507496-T-C. GRCh37 (hg19) VCF-style: chr5-150887057-T-C.
Other names: short protein forms I4059V.
Identifiers: ClinVar variation 2740285 (VCV002740285.3), dbSNP rs2127564796, ClinGen allele CA361819832.